The following is an entry in ClinVar:

NM_000380.4(XPA):c.10del (p.Ala4fs)

Gene: XPA (XPA, DNA damage recognition and repair factor; minus strand). Cytogenetic location: 9q22.33.
Variant type: Deletion.
Coding change: c.10del on transcript NM_000380.4 (MANE Select); coding-DNA position 10, one base deleted (G; older notation c.10delG).
Protein change: p.Ala4fs; shifts the reading frame from alanine 4.
Molecular consequence: frameshift variant. On other transcripts: 5 prime UTR variant (1), non-coding transcript variant (5).
Genome position (GRCh38, 1-based): chr9:97,697,283, C deleted on the plus strand (G on the coding strand, the reverse complement: XPA is on the minus strand); the first of 2 consecutive C bases (chr9:97,697,283-97,697,284); deleting either gives the same sequence. VCF-style (leftmost placement, unchanged base first): chr9-97697282-GC-G. GRCh37 (hg19) VCF-style: chr9-100459564-GC-G.
Other names: c.10delG (NM_000380.3); c.10del (NM_000380.3); c.-1140del (NM_001354975.2); short protein forms A4fs.
Identifiers: ClinVar variation 551362 (VCV000551362.14), dbSNP rs779161471, ClinGen allele CA5148945.

ClinVar aggregate classification (germline): Conflicting classifications of pathogenicity. Review status: criteria provided, conflicting classifications (1 of 4 stars). 6 submissions from 6 submitters: Pathogenic (1); Likely pathogenic (3); Uncertain significance (1). 1 of the submissions does not count toward it. Last evaluated 2024-04-15.

Conditions:
Xeroderma pigmentosum group A (XPA). Also called: XPA-Related Xeroderma Pigmentosum; Xeroderma pigmentosum, complementation group A; XP, group A. Identifiers: Orphanet 910, MedGen C0268135, MONDO:0010210, OMIM 278700.

Submissions (6):

Fulgent Genetics
Classification: Uncertain significance for Xeroderma pigmentosum group A. Last evaluated: 2024-04-15. Review status: criteria provided, single submitter. Criteria: ACMG Guidelines, 2015. Collection method: clinical testing. Allele origin: germline.

Labcorp Genetics (formerly Invitae), Labcorp
Classification: Pathogenic. Last evaluated: 2024-02-13. Review status: criteria provided, single submitter. Criteria: Invitae Variant Classification Sherloc (09022015). Collection method: clinical testing. Allele origin: germline.
Comment: This sequence change creates a premature translational stop signal (p.Ala4Profs*11) in the XPA gene. It is expected to result in an absent or disrupted protein product. Loss-of-function variants in XPA are known to be pathogenic (PMID: 27607234). This variant is present in population databases (rs779161471, gnomAD 0.002%). This variant has not been reported in the literature in individuals affected with XPA-related conditions. ClinVar contains an entry for this variant (Variation ID: 551362). For these reasons, this variant has been classified as Pathogenic.

Baylor Genetics
Classification: Likely pathogenic for Xeroderma pigmentosum group A. Last evaluated: 2024-01-02. Review status: criteria provided, single submitter. Criteria: ACMG Guidelines, 2015. Collection method: clinical testing. Allele origin: unknown.

GeneDx
Classification: Likely pathogenic. Last evaluated: 2023-03-01. Review status: criteria provided, single submitter. Criteria: GeneDx Variant Classification Process June 2021. Collection method: clinical testing. Allele origin: germline. Affected: yes.
Comment: Frameshift variant predicted to result in protein truncation or nonsense mediated decay in a gene for which loss of function is a known mechanism of disease; Not observed at significant frequency in large population cohorts (gnomAD); Observed in an individual with cutaneous melanoma (Huang et al., 2018; Aoude et al., 2020); This variant is associated with the following publications: (PMID: 33077847, 29625052)

Revvity Omics, Revvity
Classification: Likely pathogenic for Xeroderma pigmentosum group A. Last evaluated: 2021-12-27. Review status: criteria provided, single submitter. Criteria: ACMG Guidelines, 2015. Collection method: clinical testing. Allele origin: germline.

Counsyl
Classification: Likely pathogenic for Xeroderma pigmentosum group A. Last evaluated: 2017-04-04. Review status: no assertion criteria provided. Collection method: clinical testing. Allele origin: unknown. Not counted in ClinVar's aggregate classification.

Literature cited by the submitters: PubMed 27607234 (cited by Labcorp Genetics (formerly Invitae), Labcorp).